The following is an entry in ClinVar:

NM_018834.6(MATR3):c.2527C>A (p.Gln843Lys)

Gene: MATR3 (matrin 3; plus strand). Cytogenetic location: 5q31.2.
Variant type: single nucleotide variant.
Coding change: c.2527C>A on transcript NM_018834.6 (MANE Select); coding-DNA position 2527, C replaced by A.
Protein change: p.Gln843Lys; replaces glutamine 843 with lysine.
Molecular consequence: missense variant.
Genome position (GRCh38, 1-based): chr5:139,329,378, C>A. VCF-style: chr5-139329378-C-A. GRCh37 (hg19) VCF-style: chr5-138665067-C-A.
Other names: c.2527C>A, p.Gln843Lys (NM_001194954.2, NM_001194955.2, NM_001400447.1 and 11 more transcripts); c.1663C>A, p.Gln555Lys (NM_001194956.2); c.1513C>A, p.Gln505Lys (NM_001282278.2, NM_001400462.1, NM_001400463.1 and 4 more transcripts); c.2671C>A, p.Gln891Lys (NM_001400441.1, NM_001400442.1, NM_001400443.1 and 2 more transcripts); c.1666C>A, p.Gln556Lys (NM_001400459.1); c.1657C>A, p.Gln553Lys (NM_001400460.1); c.1627C>A, p.Gln543Lys (NM_001400461.1); short protein forms Q505K, Q843K, Q891K, Q553K, Q556K, Q543K, Q555K.
Identifiers: ClinVar variation 4730680 (VCV004730680.1).

ClinVar aggregate classification (germline): Uncertain significance (1 of 4 stars; one submission).

Conditions:
Amyotrophic lateral sclerosis type 21. Also called: VOCAL CORD AND PHARYNGEAL DYSFUNCTION WITH DISTAL MYOPATHY; MYOPATHY, DISTAL, 2. Identifiers: Orphanet 600, Orphanet 803, MedGen C3807521, MONDO:0011632, OMIM 606070.

Submission:

Labcorp Genetics (formerly Invitae), Labcorp
Classification: Uncertain significance for Amyotrophic lateral sclerosis type 21. Last evaluated: 2025-11-06. Review status: criteria provided, single submitter. Criteria: Invitae Variant Classification Sherloc (09022015). Collection method: clinical testing. Allele origin: germline.
Comment: This sequence change replaces glutamine, which is neutral and polar, with lysine, which is basic and polar, at codon 843 of the MATR3 protein (p.Gln843Lys). This variant is not present in population databases (gnomAD no frequency). This variant has not been reported in the literature in individuals affected with MATR3-related conditions. An algorithm developed to predict the effect of missense changes on protein structure and function (PolyPhen-2) suggests that this variant is likely to be tolerated. In summary, the available evidence is currently insufficient to determine the role of this variant in disease. Therefore, it has been classified as a Variant of Uncertain Significance.